The following is an entry in ClinVar:

ClinVar aggregate classification (germline): Conflicting classifications of pathogenicity. Review status: criteria provided, conflicting classifications (1 of 4 stars). 2 submissions from 2 submitters: Likely pathogenic (1); Uncertain significance (1). Last evaluated 2024-11-22.

Conditions:
Hereditary cancer-predisposing syndrome. Also called: Tumor predisposition; Hereditary Cancer Syndrome; Hereditary neoplastic syndrome; Neoplastic Syndromes, Hereditary. Identifiers: Orphanet 140162, MedGen C0027672, MeSH D009386, MONDO:0015356.
Familial cancer of breast. Also called: hereditary breast carcinoma; BREAST CANCER, FAMILIAL; Hereditary breast cancer. Identifiers: Orphanet 227535, MedGen C0346153, MONDO:0016419, OMIM 114480. Disease mechanism: loss of function.

Submissions (2):

Ambry Genetics
Classification: Uncertain significance for Hereditary cancer-predisposing syndrome. Last evaluated: 2024-11-22. Review status: criteria provided, single submitter. Criteria: Ambry Variant Classification Scheme 2023. Collection method: clinical testing. Allele origin: germline.
Comment: The c.847-2A>T intronic variant results from an A to T substitution two nucleotides upstream from coding exon 7 in the CHEK2 gene. Alterations that disrupt the canonical splice site are expected to result in aberrant splicing. In silico splice site analysis predicts that this alteration will weaken the native splice acceptor site and may result in the creation or strengthening of a novel splice acceptor site. The resulting transcript is predicted to be in-frame and is not expected to trigger nonsense-mediated mRNAdecay; although, direct evidence is unavailable. This nucleotide position is highly conserved in available vertebrate species. Based on the available evidence, the clinical significance of this variant remains unclear.

Labcorp Genetics (formerly Invitae), Labcorp
Classification: Likely pathogenic for Familial cancer of breast. Last evaluated: 2022-01-18. Review status: criteria provided, single submitter. Criteria: Invitae Variant Classification Sherloc (09022015). Collection method: clinical testing. Allele origin: germline.
Comment: Algorithms developed to predict the effect of sequence changes on RNA splicing suggest that this variant may disrupt the consensus splice site. This variant has not been reported in the literature in individuals affected with CHEK2-related conditions. This variant is not present in population databases (gnomAD no frequency). This sequence change affects an acceptor splice site in intron 7 of the CHEK2 gene. It is expected to disrupt RNA splicing. Variants that disrupt the donor or acceptor splice site typically lead to a loss of protein function (PMID: 16199547), and loss-of-function variants in CHEK2 are known to be pathogenic (PMID: 21876083, 24713400). In summary, the currently available evidence indicates that the variant is pathogenic, but additional data are needed to prove that conclusively. Therefore, this variant has been classified as Likely Pathogenic.

Literature cited by the submitters: PubMed 16199547 (cited by Labcorp Genetics (formerly Invitae), Labcorp); PubMed 21876083 (cited by Labcorp Genetics (formerly Invitae), Labcorp); PubMed 24713400 (cited by Labcorp Genetics (formerly Invitae), Labcorp).

NM_007194.4(CHEK2):c.847-2A>T

Gene: CHEK2 (checkpoint kinase 2; minus strand). Cytogenetic location: 22q12.1.
Variant type: single nucleotide variant.
Coding change: c.847-2A>T on transcript NM_007194.4 (MANE Select); the canonical splice acceptor site of the intron before coding-DNA position 847, A replaced by T.
Molecular consequence: splice acceptor variant.
Genome position (GRCh38, 1-based): chr22:28,703,568, T>A on the plus strand (A>T on the coding strand, the complement: CHEK2 is on the minus strand). VCF-style: chr22-28703568-T-A. GRCh37 (hg19) VCF-style: chr22-29099556-T-A.
Other names: c.184-2A>T (NM_001437942.1, NM_001257387.3); c.646-2A>T (NM_001349956.3); c.847-2A>T (NM_145862.3); c.940-2A>T (NM_001438295.1, NM_001438293.1); c.976-2A>T (NM_001438294.1, NM_001005735.3).
Identifiers: ClinVar variation 2087476 (VCV002087476.5), dbSNP rs1601753141, ClinGen allele CA411101393.
Genomic context (GRCh38, chr22:28,703,568, plus strand): 5'-TCCAAAACAATATAATAATCTTCTGCATCAAAAAAGTTTTTAATCTTGATGATGCAAGGC[T>A]AAGAAGAGGGGGAGAAAAAAGGGAAAGTAGTGAGAAACTCCCAAGAGGAAAACCACAAGA-3'